The following is an entry in ClinVar:

NM_000214.3(JAG1):c.59T>A (p.Leu20Gln)

Gene: JAG1 (jagged canonical Notch ligand 1; minus strand). Cytogenetic location: 20p12.2.
Variant type: single nucleotide variant.
Coding change: c.59T>A on transcript NM_000214.3 (MANE Select); coding-DNA position 59, T replaced by A.
Protein change: p.Leu20Gln; replaces leucine 20 with glutamine.
Molecular consequence: missense variant.
Genome position (GRCh38, 1-based): chr20:10,673,472, A>T on the plus strand (T>A on the coding strand, the complement: JAG1 is on the minus strand). VCF-style: chr20-10673472-A-T. GRCh37 (hg19) VCF-style: chr20-10654120-A-T.
Other names: short protein forms L20Q.
Identifiers: ClinVar variation 3573213 (VCV003573213.2).

Conditions:
Arteriohepatic dysplasia. Also called: Alagille Syndrome. Identifiers: Orphanet 52, MedGen C0085280, MeSH D016738, MONDO:0007318.

Submission:

Gilbert/Spinner Lab, Children's Hospital of Philadelphia
No classification provided (evidence only). Condition: Alagille syndrome. Review status: no classification provided. Collection method: research. Allele origin: not applicable. Functional consequence: functionally_abnormal.
ClinVar note: "not provided" was previously submitted as the classification for the variant. However, the classification appeared to be based only on an observation of functional data so it was converted to no classification on 2025-07-30.